The following is an entry in ClinVar:

ClinVar aggregate classification (germline): Uncertain significance (1 of 4 stars; one submission).

Conditions:
Epidermolysis bullosa simplex with nail dystrophy (EBS5D). Identifiers: MedGen C4225309, MONDO:0014661, OMIM 616487.
Autosomal recessive limb-girdle muscular dystrophy type 2Q (LGMDR17). Also called: MUSCULAR DYSTROPHY, LIMB-GIRDLE, AUTOSOMAL RECESSIVE 17. Identifiers: Orphanet 254361, MedGen C3150989, MONDO:0013390, OMIM 613723.
Epidermolysis bullosa simplex 5B, with muscular dystrophy (EBS5B). Also called: Epidermolysis bullosa simplex with muscular dystrophy; EPIDERMOLYSIS BULLOSA SIMPLEX AND LIMB-GIRDLE MUSCULAR DYSTROPHY. Identifiers: Orphanet 257, MedGen C2931072, MONDO:0009181, OMIM 226670.
Epidermolysis bullosa simplex 5C, with pyloric atresia (EBS5C). Also called: PLEC-Related Epidermolysis Bullosa with Pyloric Atresia; Epidermolysis bullosa simplex with pyloric atresia; PLEC1-Related Epidermolysis Bullosa with Pyloric Atresia. Identifiers: Orphanet 158684, MedGen C2677349, MONDO:0012807, OMIM 612138.
Epidermolysis bullosa simplex, Ogna type (EBS5A). Also called: Pidermolysis bullosa simplex 5A, Ogna type; EPIDERMOLYSIS BULLOSA SIMPLEX 5A, OGNA TYPE. Identifiers: Orphanet 79401, MedGen C0432317, MONDO:0007555, OMIM 131950.

gnomAD v4.1: 5 of 1,612,652 alleles (0.00031%); highest among the groups gnomAD compares: Non-Finnish European, 0.00042%; no homozygotes.

Submission:

Labcorp Genetics (formerly Invitae), Labcorp
Classification: Uncertain significance for Autosomal recessive limb-girdle muscular dystrophy type 2Q; Epidermolysis bullosa simplex, Ogna type; Epidermolysis bullosa simplex with nail dystrophy; Epidermolysis bullosa simplex 5C, with pyloric atresia; Epidermolysis bullosa simplex 5B, with muscular dystrophy. Last evaluated: 2025-01-07. Review status: criteria provided, single submitter. Criteria: Invitae Variant Classification Sherloc (09022015). Collection method: clinical testing. Allele origin: germline.
Comment: This sequence change replaces valine, which is neutral and non-polar, with methionine, which is neutral and non-polar, at codon 566 of the PLEC protein (p.Val566Met). This variant is not present in population databases (gnomAD no frequency). This variant has not been reported in the literature in individuals affected with PLEC-related conditions. Experimental studies and prediction algorithms are not available or were not evaluated, and the functional significance of this variant is currently unknown. In summary, the available evidence is currently insufficient to determine the role of this variant in disease. Therefore, it has been classified as a Variant of Uncertain Significance.

NM_201384.3(PLEC):c.1615G>A (p.Val539Met)

Gene: PLEC (plectin; minus strand). Cytogenetic location: 8q24.3.
Variant type: single nucleotide variant.
Coding change: c.1615G>A on transcript NM_201384.3 (MANE Select); coding-DNA position 1615, G replaced by A.
Protein change: p.Val539Met; replaces valine 539 with methionine.
Molecular consequence: missense variant.
Genome position (GRCh38, 1-based): chr8:143,932,915, C>T on the plus strand (G>A on the coding strand, the complement: PLEC is on the minus strand). VCF-style: chr8-143932915-C-T. GRCh37 (hg19) VCF-style: chr8-145007083-C-T.
Other names: c.1696G>A, p.Val566Met (NM_000445.5, NM_001410941.1); c.1573G>A, p.Val525Met (NM_201378.4); c.1549G>A, p.Val517Met (NM_201379.3); c.2026G>A, p.Val676Met (NM_201380.4); c.1519G>A, p.Val507Met (NM_201381.3); c.1615G>A, p.Val539Met (NM_201382.4); c.1627G>A, p.Val543Met (NM_201383.3); short protein forms V507M, V517M, V525M, V539M, V543M, V566M, V676M.
Identifiers: ClinVar variation 3749733 (VCV003749733.2).